The following is an entry in ClinVar:

NM_019096.5(GTPBP2):c.1672C>T (p.Arg558Cys)

Gene: GTPBP2 (GTP binding protein 2; minus strand). Cytogenetic location: 6p21.1.
Variant type: single nucleotide variant.
Coding change: c.1672C>T on transcript NM_019096.5 (MANE Select); coding-DNA position 1672, C replaced by T.
Protein change: p.Arg558Cys; replaces arginine 558 with cysteine.
Molecular consequence: missense variant.
Genome position (GRCh38, 1-based): chr6:43,621,751, G>A on the plus strand (C>T on the coding strand, the complement: GTPBP2 is on the minus strand). VCF-style: chr6-43621751-G-A. GRCh37 (hg19) VCF-style: chr6-43589488-G-A.
Other names: c.1408C>T, p.Arg470Cys (NM_001286216.2); short protein forms R470C, R558C.
Identifiers: ClinVar variation 2190953 (VCV002190953.3), dbSNP rs748852772, ClinGen allele CA3827466.

ClinVar aggregate classification (germline): Uncertain significance (1 of 4 stars; one submission).

Allele frequency attached by ClinVar (database versions not stated): gnomAD exomes 0.00001; ExAC 0.00002; gnomAD 0.00003; TOPMed 0.00003.
gnomAD v4.1: 17 of 1,614,032 alleles (0.0011%); highest among the groups gnomAD compares: South Asian, 0.0022%; no homozygotes.

Submission:

Labcorp Genetics (formerly Invitae), Labcorp
Classification: Uncertain significance. Last evaluated: 2022-06-15. Review status: criteria provided, single submitter. Criteria: Invitae Variant Classification Sherloc (09022015). Collection method: clinical testing. Allele origin: germline.
Comment: This sequence change replaces arginine, which is basic and polar, with cysteine, which is neutral and slightly polar, at codon 558 of the GTPBP2 protein (p.Arg558Cys). This variant is present in population databases (rs748852772, gnomAD 0.007%). This variant has not been reported in the literature in individuals affected with GTPBP2-related conditions. Algorithms developed to predict the effect of missense changes on protein structure and function (SIFT, PolyPhen-2, Align-GVGD) all suggest that this variant is likely to be tolerated. In summary, the available evidence is currently insufficient to determine the role of this variant in disease. Therefore, it has been classified as a Variant of Uncertain Significance.